The following is an entry in ClinVar:

ClinVar aggregate classification (germline): Uncertain significance (1 of 4 stars; one submission).

gnomAD v4.1: 3 of 1,549,390 alleles (0.00019%); highest among the groups gnomAD compares: Non-Finnish European, 0.00026%; no homozygotes.

Submission:

Labcorp Genetics (formerly Invitae), Labcorp
Classification: Uncertain significance. Last evaluated: 2022-06-13. Review status: criteria provided, single submitter. Criteria: Invitae Variant Classification Sherloc (09022015). Collection method: clinical testing. Allele origin: germline.
Comment: This sequence change replaces leucine, which is neutral and non-polar, with isoleucine, which is neutral and non-polar, at codon 2312 of the EYS protein (p.Leu2312Ile). This variant is not present in population databases (gnomAD no frequency). This variant has not been reported in the literature in individuals affected with EYS-related conditions. Algorithms developed to predict the effect of missense changes on protein structure and function are either unavailable or do not agree on the potential impact of this missense change (SIFT: "Tolerated"; PolyPhen-2: "Probably Damaging"; Align-GVGD: "Class C0"). In summary, the available evidence is currently insufficient to determine the role of this variant in disease. Therefore, it has been classified as a Variant of Uncertain Significance.

NM_001142800.2(EYS):c.6934C>A (p.Leu2312Ile)

Gene: EYS (eyes shut homolog; minus strand). Cytogenetic location: 6q12.
Variant type: single nucleotide variant.
Coding change: c.6934C>A on transcript NM_001142800.2 (MANE Select); coding-DNA position 6934, C replaced by A.
Protein change: p.Leu2312Ile; replaces leucine 2312 with isoleucine.
Molecular consequence: missense variant.
Genome position (GRCh38, 1-based): chr6:63,984,504, G>T on the plus strand (C>A on the coding strand, the complement: EYS is on the minus strand). VCF-style: chr6-63984504-G-T. GRCh37 (hg19) VCF-style: chr6-64694397-G-T.
Other names: c.6934C>A, p.Leu2312Ile (NM_001292009.2); short protein forms L2312I.
Identifiers: ClinVar variation 1394693 (VCV001394693.5), dbSNP rs564315274, ClinGen allele CA140266914.
Genomic context (GRCh38, chr6:63,984,504, plus strand): 5'-CAATATTCTTTCCATGTCGTGCTTCATCGATGATGAAGAATTCTTTGTTGTTTACTTGAA[G>T]GTCTAGAATGCAGCCCCTGAACCCATAAACAGGACCTGCTTTCTTATGAATTTGAACATT-3'
Protein context (NP_001136272.1, residues 2302-2322): VYGFRGCILD[Leu2312Ile]QVNNKEFFII